The following is an entry in ClinVar:

ClinVar aggregate classification (germline): Likely benign. Review status: criteria provided, multiple submitters, no conflicts (2 of 4 stars). 3 submissions from 3 submitters: Likely benign (2). 1 of the submissions does not count toward it. Last evaluated 2023-11-03.

Conditions:
ANLN-related disorder. Also called: ANLN-related condition.

Allele frequency attached by ClinVar (database versions not stated): gnomAD 0.00001 and 0.00003; gnomAD exomes 0.00003 and 0.00011; TOPMed 0.00003; ExAC 0.00012; 1000 Genomes Project 30x 0.00016; 1000 Genomes Project 0.00020.
gnomAD v4.1: 53 of 1,608,546 alleles (0.0033%); highest among the groups gnomAD compares: South Asian, 0.031%; no homozygotes.

Submissions (3):

Labcorp Genetics (formerly Invitae), Labcorp
Classification: Likely benign. Last evaluated: 2023-11-03. Review status: criteria provided, single submitter. Criteria: Invitae Variant Classification Sherloc (09022015). Collection method: clinical testing. Allele origin: germline.

Blueprint Genetics
Classification: Likely benign. Last evaluated: 2023-03-03. Review status: criteria provided, single submitter. Criteria: ACMG Guidelines, 2015. Collection method: clinical testing. Allele origin: germline.

PreventionGenetics, part of Exact Sciences
Classification: Likely benign for ANLN-related condition. Last evaluated: 2019-06-12. Review status: no assertion criteria provided. Collection method: clinical testing. Allele origin: germline. Not counted in ClinVar's aggregate classification.
Comment: This variant is classified as likely benign based on ACMG/AMP sequence variant interpretation guidelines (Richards et al. 2015 PMID: 25741868, with internal and published modifications).

NM_018685.5(ANLN):c.2595A>G (p.Thr865=)

Gene: ANLN (anillin, actin binding protein; plus strand). Cytogenetic location: 7p14.2.
Variant type: single nucleotide variant.
Coding change: c.2595A>G on transcript NM_018685.5 (MANE Select); coding-DNA position 2595, A replaced by G.
Protein change: p.Thr865=; no amino-acid change (threonine 865 retained).
Molecular consequence: synonymous variant.
Genome position (GRCh38, 1-based): chr7:36,423,935, A>G. VCF-style: chr7-36423935-A-G. GRCh37 (hg19) VCF-style: chr7-36463544-A-G.
Other names: c.2484A>G, p.Thr828= (NM_001284301.3); c.2481A>G, p.Thr827= (NM_001284302.3); c.2595A>G (NM_018685.4).
Identifiers: ClinVar variation 1590924 (VCV001590924.11), dbSNP rs543976710, ClinGen allele CA4219902.